The following is an entry in ClinVar:

ClinVar aggregate classification (germline): Uncertain significance (1 of 4 stars; one submission).

Submission:

Medical Genetic Center, Changzhi Maternal and Child Health Care Hospital
Classification: Uncertain significance. Last evaluated: 2025-12-10. Review status: criteria provided, single submitter. Criteria: ACMG/ClinGen CNV Guidelines, 2019. Collection method: clinical testing. Allele origin: unknown.

GRCh38/hg38 16p12.2(chr16:21394007-21936466)x1

Genes: IGSF6 (immunoglobulin superfamily member 6), METTL9 (methyltransferase 9, His-X-His N1(pi)-histidine), MIR3680-1 (microRNA 3680-1), NPIPB3 (nuclear pore complex interacting protein family member B3; minus strand), NPIPB4 (nuclear pore complex interacting protein family member B4) and 11 more. Cytogenetic location: 16p12.2.
Variant type: copy number loss.
Change: copy number 1 (one copy instead of two) of chr16:21,394,007-21,936,466 (542.5 kb, GRCh38 coordinates, 1-based), cytogenetic band 16p12.2.
Identifiers: ClinVar variation 4796392 (VCV004796392.1).